The following is an entry in ClinVar:

NM_024334.3(TMEM43):c.411del (p.Gln138fs)

Gene: TMEM43 (transmembrane protein 43; plus strand). Cytogenetic location: 3p25.1.
Variant type: Deletion.
Coding change: c.411del on transcript NM_024334.3 (MANE Select); coding-DNA position 411, one base deleted (G; older notation c.411delG).
Protein change: p.Gln138fs; shifts the reading frame from glutamine 138.
Molecular consequence: frameshift variant.
Genome position (GRCh38, 1-based): chr3:14,132,564, G deleted; the last of 3 consecutive G bases (chr3:14,132,562-14,132,564); deleting any one gives the same sequence. VCF-style (leftmost placement, unchanged base first): chr3-14132561-TG-T. GRCh37 (hg19) VCF-style: chr3-14174061-TG-T.
Other names: c.411del, p.Gln138fs (NM_001407274.1, NM_001407275.1, NM_001407276.1 and 2 more transcripts); c.396del, p.Gln133fs (NM_001407278.1); c.261del, p.Gln88fs (NM_001407280.1); short protein forms Q133fs, Q138fs, Q88fs.
Identifiers: ClinVar variation 3072117 (VCV003072117.1), dbSNP rs2470183360, ClinGen allele CA2825001175.

ClinVar aggregate classification (germline): Uncertain significance (1 of 4 stars; one submission).

Conditions:
Arrhythmogenic right ventricular dysplasia 5. Also called: Arrhythmogenic Right Ventricular Dysplasia/Cardiomyopathy 5; ARRHYTHMOGENIC RIGHT VENTRICULAR DYSPLASIA, FAMILIAL, 5. Identifiers: MedGen C1858379, MONDO:0011459, OMIM 604400.

Submission:

All of Us Research Program, National Institutes of Health
Classification: Uncertain significance for Arrhythmogenic right ventricular dysplasia 5. Last evaluated: 2023-06-26. Review status: criteria provided, single submitter. Criteria: ACMG Guidelines, 2015. Collection method: clinical testing. Allele origin: germline. Inheritance: Autosomal dominant inheritance. Observed: 1 variant allele, 1 heterozygote.
Comment: This study involves interpretation of variants in research participants for the purpose of population health screening. Participant phenotype was not available at the time of variant classification. Additional details can be found in publication PMID: 35346344, PMCID: PMC8962531